The following is an entry in ClinVar:

NM_004766.3(COPB2):c.1343C>T (p.Ala448Val)

Gene: COPB2 (coat protein complex I subunit beta 2; minus strand). Cytogenetic location: 3q23.
Variant type: single nucleotide variant.
Coding change: c.1343C>T on transcript NM_004766.3 (MANE Select); coding-DNA position 1343, C replaced by T.
Protein change: p.Ala448Val; replaces alanine 448 with valine.
Molecular consequence: missense variant. On other transcripts: non-coding transcript variant (1).
Genome position (GRCh38, 1-based): chr3:139,369,319, G>A on the plus strand (C>T on the coding strand, the complement: COPB2 is on the minus strand). VCF-style: chr3-139369319-G-A. GRCh37 (hg19) VCF-style: chr3-139088161-G-A.
Other names: c.1256C>T, p.Ala419Val (NM_001410834.1); short protein forms A419V, A448V.
Identifiers: ClinVar variation 4767379 (VCV004767379.1).

ClinVar aggregate classification (germline): Uncertain significance (1 of 4 stars; one submission).

Submission:

Labcorp Genetics (formerly Invitae), Labcorp
Classification: Uncertain significance. Last evaluated: 2026-01-07. Review status: criteria provided, single submitter. Criteria: Invitae Variant Classification Sherloc (09022015). Collection method: clinical testing. Allele origin: germline.
Comment: This sequence change replaces alanine, which is neutral and non-polar, with valine, which is neutral and non-polar, at codon 448 of the COPB2 protein (p.Ala448Val). This variant is present in population databases (rs755534435, gnomAD 0.01%). This variant has not been reported in the literature in individuals affected with COPB2-related conditions. An algorithm developed to predict the effect of missense changes on protein structure and function (PolyPhen-2) suggests that this variant is likely to be disruptive. In summary, the available evidence is currently insufficient to determine the role of this variant in disease. Therefore, it has been classified as a Variant of Uncertain Significance.